The following is an entry in ClinVar:

NM_016343.4(CENPF):c.8322+1G>T

Gene: CENPF (centromere protein F; plus strand). Cytogenetic location: 1q41.
Variant type: single nucleotide variant.
Coding change: c.8322+1G>T on transcript NM_016343.4 (MANE Select); the canonical splice donor site of the intron after coding-DNA position 8322, G replaced by T.
Molecular consequence: splice donor variant.
Genome position (GRCh38, 1-based): chr1:214,652,990, G>T. VCF-style: chr1-214652990-G-T. GRCh37 (hg19) VCF-style: chr1-214826333-G-T.
Other names: c.8322+1G>T (NM_016343.3).
Identifiers: ClinVar variation 1712558 (VCV001712558.3), dbSNP rs564687150, ClinGen allele CA1391368.

ClinVar aggregate classification (germline): Likely pathogenic. Review status: criteria provided, multiple submitters, no conflicts (2 of 4 stars). 2 submissions from 2 submitters: Likely pathogenic (2). Last evaluated 2024-12-17.

Conditions:
CENPF-related disorder. Also called: CENPF-related condition.

Allele frequency attached by ClinVar (database versions not stated): ExAC 0.00002; gnomAD 0.00003; TOPMed 0.00004.
gnomAD v4.1: 65 of 1,602,408 alleles (0.0041%); highest among the groups gnomAD compares: Non-Finnish European, 0.0052%; no homozygotes.

Submissions (2):

PreventionGenetics, part of Exact Sciences
Classification: Likely pathogenic for CENPF-related condition. Last evaluated: 2024-12-17. Review status: criteria provided, single submitter. Criteria: ACMG Guidelines, 2015. Collection method: clinical testing. Allele origin: germline.
Comment: The CENPF c.8322+1G>T variant is predicted to disrupt the GT donor site and interfere with normal splicing. This variant was reported in a large cohort study of adults with whole-genome sequencing; however, clinical details were not provided (Hou et al. 2020. PubMed ID: 31980526). This variant is reported in 0.0036% of alleles in individuals of European (non-Finnish) descent in gnomAD. Variants that disrupt the consensus splice donor site in CENPF are expected to be pathogenic. This variant is interpreted as likely pathogenic.

GeneDx
Classification: Likely pathogenic. Last evaluated: 2022-04-22. Review status: criteria provided, single submitter. Criteria: GeneDx Variant Classification Process June 2021. Collection method: clinical testing. Allele origin: germline. Affected: yes.
Comment: Canonical splice site variant expected to result in aberrant splicing, although in the absence of functional evidence the actual effect of this sequence change is unknown.; Not observed at significant frequency in large population cohorts (gnomAD); Identified in a cohort of individuals undergoing whole genome sequencing, but clinical information was not included (Hou et al., 2020); This variant is associated with the following publications: (PMID: 31980526)